The following is an entry in ClinVar:

NM_001267550.2(TTN):c.58861_58862del (p.Met19621fs)

Genes: TTN-AS1 (TTN antisense RNA 1; plus strand), TTN (titin; minus strand). Cytogenetic location: 2q31.2.
Variant type: Deletion.
Coding change: c.58861_58862del on transcript NM_001267550.2 (MANE Select); coding-DNA positions 58861 to 58862, 2 bases deleted (AT; older notation c.58861_58862delAT).
Protein change: p.Met19621fs; shifts the reading frame from methionine 19621.
Molecular consequence: frameshift variant.
Genome position (GRCh38, 1-based): chr2:178,593,346-178,593,347, AT deleted on the plus strand (AT on the coding strand, the reverse complement: TTN is on the minus strand); deleting any 2 consecutive bases within chr2:178,593,346-178,593,348 gives the same sequence; the c. name uses the placement nearest the transcript's 3' end. VCF-style (leftmost placement, unchanged base first): chr2-178593345-CAT-C. GRCh37 (hg19) VCF-style: chr2-179458072-CAT-C.
Other names: c.53938_53939del, p.Met17980fs (NM_001256850.1); c.31666_31667del, p.Met10556fs (NM_003319.4); c.51157_51158del, p.Met17053fs (NM_133378.4); c.32041_32042del, p.Met10681fs (NM_133432.3); c.32242_32243del, p.Met10748fs (NM_133437.4); short protein forms M10556fs, M10681fs, M10748fs, M17053fs, M17980fs, M19621fs.
Identifiers: ClinVar variation 3757161 (VCV003757161.2).
Genomic context (GRCh38, chr2:178,593,345, plus strand): 5'-AACCCTAAATTTAGTGTATGGATGAATAGGATCTTTGGTAACTCTAGCCCATCGTTTAGA[CAT>C]AGTTTCTCTCTTTTCCAGGATGTAGTTTGTGATGGGTTTTCCTCCATCATGTGGCTTATT-3'

ClinVar aggregate classification (germline): Likely pathogenic (1 of 4 stars; one submission).

Conditions:
Dilated cardiomyopathy 1G (CMD1G). Identifiers: Orphanet 154, MedGen C1858763, MONDO:0011400, OMIM 604145.
Autosomal recessive limb-girdle muscular dystrophy type 2J (LGMDR10). Also called: Limb-girdle muscular dystrophy, type 2J; MUSCULAR DYSTROPHY, LIMB-GIRDLE, AUTOSOMAL RECESSIVE 10. Identifiers: Orphanet 140922, MedGen C1837342, MONDO:0012127, OMIM 608807.

Submission:

Labcorp Genetics (formerly Invitae), Labcorp
Classification: Likely pathogenic for Dilated cardiomyopathy 1G; Autosomal recessive limb-girdle muscular dystrophy type 2J. Last evaluated: 2024-12-03. Review status: criteria provided, single submitter. Criteria: Invitae Variant Classification Sherloc (09022015). Collection method: clinical testing. Allele origin: germline.
Comment: This sequence change creates a premature translational stop signal (p.Met19621Valfs*2) in the TTN gene. While this is not anticipated to result in nonsense mediated decay, it is expected to create a truncated TTN protein. This variant is not present in population databases (gnomAD no frequency). This variant has not been reported in the literature in individuals affected with TTN-related conditions. This variant is located in the A band of TTN (PMID: 25589632). Truncating variants in this region are significantly overrepresented in patients affected with dilated cardiomyopathy (PMID: 25589632). Truncating variants in this region have also been reported in individuals affected with autosomal recessive centronuclear myopathy (PMID: 23975875). In summary, the currently available evidence indicates that the variant is pathogenic, but additional data are needed to prove that conclusively. Therefore, this variant has been classified as Likely Pathogenic.

Literature cited by the submitters: PubMed 25589632; PubMed 23975875.